The following is an entry in ClinVar:

NM_001966.4(EHHADH):c.1980G>C (p.Lys660Asn)

Gene: EHHADH (enoyl-CoA hydratase and 3-hydroxyacyl CoA dehydrogenase; minus strand). Cytogenetic location: 3q27.2.
Variant type: single nucleotide variant.
Coding change: c.1980G>C on transcript NM_001966.4 (MANE Select); coding-DNA position 1980, G replaced by C.
Protein change: p.Lys660Asn; replaces lysine 660 with asparagine.
Molecular consequence: missense variant.
Genome position (GRCh38, 1-based): chr3:185,192,418, C>G on the plus strand (G>C on the coding strand, the complement: EHHADH is on the minus strand). VCF-style: chr3-185192418-C-G. GRCh37 (hg19) VCF-style: chr3-184910206-C-G.
Other names: c.1692G>C, p.Lys564Asn (NM_001166415.2); short protein forms K564N, K660N.
Identifiers: ClinVar variation 4986487 (VCV004986487.1).

ClinVar aggregate classification (germline): Uncertain significance (1 of 4 stars; one submission).

Conditions:
EHHADH-related disorder. Also called: EHHADH-related condition.

gnomAD v4.1: 10 of 1,614,094 alleles (0.00062%); highest among the groups gnomAD compares: Non-Finnish European, 0.00076%; no homozygotes.

Submission:

PreventionGenetics, part of Exact Sciences
Classification: Uncertain significance for EHHADH-related condition. Last evaluated: 2025-12-30. Review status: criteria provided, single submitter. Criteria: ACMG Guidelines, 2015. Collection method: clinical testing. Allele origin: germline.
Comment: The EHHADH c.1980G>C variant is predicted to result in the amino acid substitution p.Lys660Asn. To our knowledge, this variant has not been reported in the literature. This variant is reported in 0.00088% of alleles in individuals of European (Non-Finnish) descent in gnomAD. At this time, the clinical significance of this variant is uncertain due to the absence of conclusive functional and genetic evidence.